The following is an entry in ClinVar:

NM_000722.4(CACNA2D1):c.3077-37_3077-12dup

Gene: CACNA2D1 (calcium voltage-gated channel auxiliary subunit alpha2delta 1; minus strand). Cytogenetic location: 7q21.11.
Variant type: Duplication.
Coding change: c.3077-37_3077-12dup on transcript NM_000722.4 (MANE Select); 37 bases into the intron before coding-DNA position 3077 through 12 bases into the intron before coding-DNA position 3077, 26 bases duplicated (AAAACTAACATGAGATTCCTTAACAA).
Molecular consequence: intron variant.
Genome position (GRCh38, 1-based): chr7:81,959,369-81,959,394, TTGTTAAGGAATCTCATGTTAGTTTT duplicated on the plus strand (AAAACTAACATGAGATTCCTTAACAA on the coding strand, the reverse complement: CACNA2D1 is on the minus strand); duplicating any 26 consecutive bases within chr7:81,959,369-81,959,396 gives the same sequence; the c. name uses the placement nearest the transcript's 3' end. VCF-style (leftmost placement, unchanged base first): chr7-81959368-C-CTTGTTAAGGAATCTCATGTTAGTTTT. GRCh37 (hg19) VCF-style: chr7-81588684-C-CTTGTTAAGGAATCTCATGTTAGTTTT.
Other names: c.3113-37_3113-12dup (NM_001366867.1).
Identifiers: ClinVar variation 2867520 (VCV002867520.3), dbSNP rs2484347747, ClinGen allele CA2683535732.

ClinVar aggregate classification (germline): Uncertain significance (1 of 4 stars; one submission).

Conditions:
Brugada syndrome. Also called: Sudden unexplained nocturnal death syndrome; Sudden unexpected nocturnal death syndrome; Sudden Unexplained Death Syndrome; Sudden Unexplained Nocturnal Death Syndrome (SUNDS). Identifiers: Orphanet 130, MedGen C1142166, MONDO:0015263.

Submission:

Labcorp Genetics (formerly Invitae), Labcorp
Classification: Uncertain significance for Brugada syndrome. Last evaluated: 2023-10-06. Review status: criteria provided, single submitter. Criteria: Invitae Variant Classification Sherloc (09022015). Collection method: clinical testing. Allele origin: germline.
Comment: This sequence change falls in intron 37 of the CACNA2D1 gene. It does not directly change the encoded amino acid sequence of the CACNA2D1 protein. This variant is not present in population databases (gnomAD no frequency). This variant has not been reported in the literature in individuals affected with CACNA2D1-related conditions. Experimental studies and prediction algorithms are not available or were not evaluated, and the effect of this variant on mRNA splicing is currently unknown. In summary, the available evidence is currently insufficient to determine the role of this variant in disease. Therefore, it has been classified as a Variant of Uncertain Significance.